The following is an entry in ClinVar:

ClinVar aggregate classification (germline): Likely benign (1 of 4 stars; one submission).

gnomAD v4.1: 10 of 1,613,568 alleles (0.00062%); highest among the groups gnomAD compares: African/African-American, 0.004%; no homozygotes.

Submission:

CeGaT Center for Human Genetics Tuebingen
Classification: Likely benign. Last evaluated: 2022-06-01. Review status: criteria provided, single submitter. Criteria: CeGaT Center For Human Genetics Tuebingen Variant Classification Criteria Version 2. Collection method: clinical testing. Allele origin: germline. Affected: yes. Observed: 1 variant allele.
Comment: GCM1: BP4, BP7

NM_003643.4(GCM1):c.534C>T (p.Ser178=)

Gene: GCM1 (GCM transcription factor 1; minus strand). Cytogenetic location: 6p12.1.
Variant type: single nucleotide variant.
Coding change: c.534C>T on transcript NM_003643.4 (MANE Select); coding-DNA position 534, C replaced by T.
Protein change: p.Ser178=; no amino-acid change (serine 178 retained).
Molecular consequence: synonymous variant.
Genome position (GRCh38, 1-based): chr6:53,130,839, G>A on the plus strand (C>T on the coding strand, the complement: GCM1 is on the minus strand). VCF-style: chr6-53130839-G-A. GRCh37 (hg19) VCF-style: chr6-52995637-G-A.
Identifiers: ClinVar variation 2656646 (VCV002656646.24), dbSNP rs1021595884, ClinGen allele CA450543460.
Genomic context (GRCh38, chr6:53,130,839, plus strand): 5'-TGAACATACATAATGAAGGATTACCCTGGTCTCTGTGCTCCCCTTCAGGCTCAATGAGAC[G>A]GAGGAAGGTGCTGTGTTCACTTTCTTCATGGCTCTTCTTGCCTCAGCTTCTAACTTGGTT-3'
Protein context (NP_003634.2, residues 168-188): AMKKVNTAPS[Ser178=]VSLSLKGSTE